The following is an entry in ClinVar:

NM_033124.5(CCDC65):c.147GGA[1] (p.Glu51del)

Gene: CCDC65 (coiled-coil domain containing 65; plus strand). Cytogenetic location: 12q13.12.
Variant type: Microsatellite.
Coding change: c.147GGA[1] on transcript NM_033124.5 (MANE Select); one copy of the 3-base unit GGA starting at c.147; the reference has two copies in a row; one copy, 3 bases deleted.
Protein change: p.Glu51del; deletes glutamic acid 51.
Molecular consequence: inframe deletion. On other transcripts: splice acceptor variant (1).
Genome position (GRCh38, 1-based): chr12:48,904,963-48,904,965, GGA deleted; deleting any 3 consecutive bases within chr12:48,904,959-48,904,965 gives the same sequence; the position shown is the placement nearest the transcript's 3' end. VCF-style (leftmost placement, unchanged base first): chr12-48904958-AAGG-A. GRCh37 (hg19) VCF-style: chr12-49298741-AAGG-A.
Other names: c.-279-1_-278del (NM_001286957.2); c.-279-1_-278delGGA (NM_001286957.1); short protein forms E51del.
Identifiers: ClinVar variation 945038 (VCV000945038.8), dbSNP rs770163530, ClinGen allele CA6543163.
Genomic context (GRCh38, chr12:48,904,958, plus strand): 5'-TACTGAAAGGCCCTGACTTCCTGGAGGTATATTTATTCCTTCACACAGGACAAGCTGGCC[AAGG>A]AGGAACACAACAGTGCTCTGAACCTTAATAAGATTAACACACAGTGGAGAACTGTCCTTC-3'

ClinVar aggregate classification (germline): Uncertain significance. Review status: criteria provided, single submitter (1 of 4 stars). 2 submissions from 2 submitters: Uncertain significance (1). 1 of the submissions does not count toward it. Last evaluated 2021-08-27.

Conditions:
Primary ciliary dyskinesia 27. Also called: CILIARY DYSKINESIA, PRIMARY, 27, WITHOUT SITUS INVERSUS. Identifiers: Orphanet 244, MedGen C3809701, MONDO:0014215, OMIM 615504.
CCDC65-related disorder. Also called: CCDC65-related condition.

Submissions (2):

Labcorp Genetics (formerly Invitae), Labcorp
Classification: Uncertain significance for Primary ciliary dyskinesia 27. Last evaluated: 2021-08-27. Review status: criteria provided, single submitter. Criteria: Invitae Variant Classification Sherloc (09022015). Collection method: clinical testing. Allele origin: germline.
Comment: This variant, c.150_152del, results in the deletion of 1 amino acid(s) of the CCDC65 protein (p.Glu51del), but otherwise preserves the integrity of the reading frame. This variant is present in population databases (rs770163530, ExAC 0.02%). This variant has not been reported in the literature in individuals affected with CCDC65-related conditions. Experimental studies and prediction algorithms are not available or were not evaluated, and the functional significance of this variant is currently unknown. In summary, the available evidence is currently insufficient to determine the role of this variant in disease. Therefore, it has been classified as a Variant of Uncertain Significance.

PreventionGenetics, part of Exact Sciences
Classification: Likely benign for CCDC65-related condition. Last evaluated: 2021-04-14. Review status: no assertion criteria provided. Collection method: clinical testing. Allele origin: germline. Not counted in ClinVar's aggregate classification.
Comment: This variant is classified as likely benign based on ACMG/AMP sequence variant interpretation guidelines (Richards et al. 2015 PMID: 25741868, with internal and published modifications).